The following is an entry in ClinVar:

ClinVar aggregate classification (germline): Likely benign (1 of 4 stars; one submission).

Allele frequency attached by ClinVar (database versions not stated): TOPMed 0.00002.
gnomAD v4.1: 34 of 1,222,814 alleles (0.0028%); highest among the groups gnomAD compares: Non-Finnish European, 0.0035%; no homozygotes.

Submission:

CeGaT Center for Human Genetics Tuebingen
Classification: Likely benign. Last evaluated: 2022-09-01. Review status: criteria provided, single submitter. Criteria: CeGaT Center For Human Genetics Tuebingen Variant Classification Criteria Version 2. Collection method: clinical testing. Allele origin: germline. Affected: yes. Observed: 1 variant allele.
Comment: GTPBP2: BP4, BP7

NM_019096.5(GTPBP2):c.45C>A (p.Pro15=)

Genes: GTPBP2 (GTP binding protein 2; minus strand), LOC129996523 (ATAC-STARR-seq lymphoblastoid silent region 17238; plus strand). Cytogenetic location: 6p21.1.
Variant type: single nucleotide variant.
Coding change: c.45C>A on transcript NM_019096.5 (MANE Select); coding-DNA position 45, C replaced by A.
Protein change: p.Pro15=; no amino-acid change (proline 15 retained).
Molecular consequence: synonymous variant.
Genome position (GRCh38, 1-based): chr6:43,629,118, G>T on the plus strand (C>A on the coding strand, the complement: GTPBP2 is on the minus strand). VCF-style: chr6-43629118-G-T. GRCh37 (hg19) VCF-style: chr6-43596855-G-T.
Identifiers: ClinVar variation 2656610 (VCV002656610.23), dbSNP rs1395140103, ClinGen allele CA450292259.